The following is an entry in ClinVar:

NM_198880.3(QRICH1):c.1965GAA[1] (p.Lys656del)

Gene: QRICH1 (glutamine rich 1; minus strand). Cytogenetic location: 3p21.31.
Variant type: Microsatellite.
Coding change: c.1965GAA[1] on transcript NM_198880.3 (MANE Select); one copy of the 3-base unit GAA starting at c.1965; the reference has two copies in a row; one copy, 3 bases deleted.
Protein change: p.Lys656del; deletes lysine 656.
Molecular consequence: inframe deletion.
Genome position (GRCh38, 1-based): chr3:49,032,699-49,032,701, TTC deleted on the plus strand (GAA on the coding strand, the reverse complement: QRICH1 is on the minus strand); deleting any 3 consecutive bases within chr3:49,032,699-49,032,706 gives the same sequence; the position shown is the placement nearest the transcript's 3' end. VCF-style (leftmost placement, unchanged base first): chr3-49032698-GTTC-G. GRCh37 (hg19) VCF-style: chr3-49070131-GTTC-G.
Other names: c.1965GAA[1], p.Lys656del (NM_017730.4, NM_001320580.2, NM_001320581.2 and 4 more transcripts); short protein forms K656del.
Identifiers: ClinVar variation 2575574 (VCV002575574.1), dbSNP rs2471648863, ClinGen allele CA2580616455.
Genomic context (GRCh38, chr3:49,032,698, plus strand): 5'-GTGTATTCCAAGGGCCTTCAAGTACCGGATACTCGTGCTTTTATCCTTGGGATTAGAGGG[GTTC>G]TTCTTTGTCTGTCGCAAGACCTTGGAGAAGGCCAGCTTCATGTGCTGGTCCACTGTCTTC-3'

ClinVar aggregate classification (germline): Uncertain significance (1 of 4 stars; one submission).

Submission:

GeneDx
Classification: Uncertain significance. Last evaluated: 2023-02-14. Review status: criteria provided, single submitter. Criteria: GeneDx Variant Classification Process June 2021. Collection method: clinical testing. Allele origin: germline. Affected: yes.
Comment: Not observed at significant frequency in large population cohorts (gnomAD); In-frame deletion of 1 amino acid in a non-repeat region; In silico analysis supports that this variant does not alter protein structure/function; Has not been previously published as pathogenic or benign to our knowledge